The following is an entry in ClinVar:

NM_000722.4(CACNA2D1):c.2334G>A (p.Ser778=)

Gene: CACNA2D1 (calcium voltage-gated channel auxiliary subunit alpha2delta 1; minus strand). Cytogenetic location: 7q21.11.
Variant type: single nucleotide variant.
Coding change: c.2334G>A on transcript NM_000722.4 (MANE Select); coding-DNA position 2334, G replaced by A.
Protein change: p.Ser778=; no amino-acid change (serine 778 retained).
Molecular consequence: synonymous variant.
Genome position (GRCh38, 1-based): chr7:81,968,948, C>T on the plus strand (G>A on the coding strand, the complement: CACNA2D1 is on the minus strand). VCF-style: chr7-81968948-C-T. GRCh37 (hg19) VCF-style: chr7-81598264-C-T.
Other names: p.Ser778=; c.2370G>A, p.Ser790= (NM_001366867.1).
Identifiers: ClinVar variation 463224 (VCV000463224.10), dbSNP rs368512946, ClinGen allele CA4317644.

ClinVar aggregate classification (germline): Likely benign. Review status: criteria provided, multiple submitters, no conflicts (2 of 4 stars). 4 submissions from 4 submitters: Likely benign (4). Last evaluated 2025-07-26.

Conditions:
Cardiovascular phenotype. Identifiers: MedGen CN230736.
Brugada syndrome. Also called: Sudden Unexplained Death Syndrome; Sudden Unexplained Nocturnal Death Syndrome (SUNDS); Sudden unexpected nocturnal death syndrome; Sudden unexplained nocturnal death syndrome. Identifiers: Orphanet 130, MedGen C1142166, MONDO:0015263.

Allele frequency attached by ClinVar (database versions not stated): gnomAD 0.00005 and 0.00006; ExAC 0.00006; gnomAD exomes 0.00006; ESP Exome Variant Server 0.00008; TOPMed 0.00008.
gnomAD v4.1: 185 of 1,590,164 alleles (0.012%); highest among the groups gnomAD compares: Non-Finnish European, 0.015%; no homozygotes.

Submissions (4):

Mayo Clinic Laboratories, Mayo Clinic
Classification: Likely benign. Last evaluated: 2025-07-26. Review status: criteria provided, single submitter. Criteria: ACMG Guidelines, 2015. Collection method: clinical testing. Allele origin: germline. Observed: 1 variant allele.
Comment: BP4, BP7

Labcorp Genetics (formerly Invitae), Labcorp
Classification: Likely benign for Brugada syndrome. Last evaluated: 2025-05-05. Review status: criteria provided, single submitter. Criteria: Invitae Variant Classification Sherloc (09022015). Collection method: clinical testing. Allele origin: germline.

Blueprint Genetics
Classification: Likely benign. Last evaluated: 2024-06-14. Review status: criteria provided, single submitter. Criteria: ACMG Guidelines, 2015. Collection method: clinical testing. Allele origin: germline.

Ambry Genetics
Classification: Likely benign for Cardiovascular phenotype. Last evaluated: 2019-05-15. Review status: criteria provided, single submitter. Criteria: Ambry Variant Classification Scheme 2023. Collection method: clinical testing. Allele origin: germline.